The following is an entry in ClinVar:

NM_025257.3(SLC44A4):c.71G>A (p.Arg24Gln)

Gene: SLC44A4 (solute carrier family 44 member 4; minus strand). Cytogenetic location: 6p21.33.
Variant type: single nucleotide variant.
Coding change: c.71G>A on transcript NM_025257.3 (MANE Select); coding-DNA position 71, G replaced by A.
Protein change: p.Arg24Gln; replaces arginine 24 with glutamine.
Molecular consequence: missense variant. On other transcripts: 5 prime UTR variant (1).
Genome position (GRCh38, 1-based): chr6:31,877,052, C>T on the plus strand (G>A on the coding strand, the complement: SLC44A4 is on the minus strand). VCF-style: chr6-31877052-C-T. GRCh37 (hg19) VCF-style: chr6-31844829-C-T.
Other names: c.71G>A, p.Arg24Gln (NM_001178044.2, NM_032794.1); c.-158G>A (NM_001178045.2); short protein forms R24Q.
Identifiers: ClinVar variation 2909268 (VCV002909268.3), dbSNP rs537674853, ClinGen allele CA3725844.

ClinVar aggregate classification (germline): Uncertain significance. Review status: criteria provided, multiple submitters, no conflicts (2 of 4 stars). 2 submissions from 2 submitters: Uncertain significance (2). Last evaluated 2023-10-22.

Conditions:
Hearing loss, autosomal dominant 72. Also called: DEAFNESS, AUTOSOMAL DOMINANT 72. Identifiers: MedGen C4539886, MONDO:0033259, OMIM 617606.

Allele frequency attached by ClinVar (database versions not stated): gnomAD exomes 0.00001; ExAC 0.00004; TOPMed 0.00004; gnomAD 0.00009; 1000 Genomes Project 0.00040; 1000 Genomes Project 30x 0.00047.
gnomAD v4.1: 34 of 1,609,972 alleles (0.0021%); highest among the groups gnomAD compares: Admixed American, 0.015%; no homozygotes.

Submissions (2):

Labcorp Genetics (formerly Invitae), Labcorp
Classification: Uncertain significance. Last evaluated: 2023-10-22. Review status: criteria provided, single submitter. Criteria: Invitae Variant Classification Sherloc (09022015). Collection method: clinical testing. Allele origin: germline.
Comment: This sequence change replaces arginine, which is basic and polar, with glutamine, which is neutral and polar, at codon 24 of the SLC44A4 protein (p.Arg24Gln). This variant is present in population databases (rs537674853, gnomAD 0.009%). This variant has not been reported in the literature in individuals affected with SLC44A4-related conditions. Advanced modeling of protein sequence and biophysical properties (such as structural, functional, and spatial information, amino acid conservation, physicochemical variation, residue mobility, and thermodynamic stability) performed at Invitae indicates that this missense variant is not expected to disrupt SLC44A4 protein function. In summary, the available evidence is currently insufficient to determine the role of this variant in disease. Therefore, it has been classified as a Variant of Uncertain Significance.

Department of Pathology and Laboratory Medicine, Sinai Health System
Classification: Uncertain significance for Hearing loss, autosomal dominant 72. Last evaluated: 2022-02-15. Review status: criteria provided, single submitter. Criteria: ACMG Guidelines, 2015. Collection method: research. Allele origin: germline.